The following is an entry in ClinVar:

ClinVar aggregate classification (germline): Uncertain significance. Review status: criteria provided, multiple submitters, no conflicts (2 of 4 stars). 2 submissions from 2 submitters: Uncertain significance (2). Last evaluated 2024-07-15.

Conditions:
Inborn genetic diseases. Identifiers: MedGen C0950123, MeSH D030342.
Developmental and epileptic encephalopathy, 31A. Also called: Developmental and epileptic encephalopathy, 31; Epileptic encephalopathy, early infantile, 31. Identifiers: Orphanet 2382, MedGen C4225357, MONDO:0014598, OMIM 616346.

Allele frequency attached by ClinVar (database versions not stated): gnomAD exomes below 0.00001; TOPMed below 0.00001.
gnomAD v4.1: 2 of 1,614,110 alleles (0.00012%); highest among the groups gnomAD compares: Admixed American, 0.0017%; no homozygotes.

Submissions (2):

Ambry Genetics
Classification: Uncertain significance for Inborn genetic diseases. Last evaluated: 2024-07-15. Review status: criteria provided, single submitter. Criteria: Ambry Variant Classification Scheme 2023. Collection method: clinical testing. Allele origin: germline.

Labcorp Genetics (formerly Invitae), Labcorp
Classification: Uncertain significance for Developmental and epileptic encephalopathy, 31A. Last evaluated: 2023-05-02. Review status: criteria provided, single submitter. Criteria: Invitae Variant Classification Sherloc (09022015). Collection method: clinical testing. Allele origin: germline.
Comment: In summary, the available evidence is currently insufficient to determine the role of this variant in disease. Therefore, it has been classified as a Variant of Uncertain Significance. Advanced modeling of protein sequence and biophysical properties (such as structural, functional, and spatial information, amino acid conservation, physicochemical variation, residue mobility, and thermodynamic stability) performed at Invitae indicates that this missense variant is not expected to disrupt DNM1 protein function. ClinVar contains an entry for this variant (Variation ID: 1921123). This variant has not been reported in the literature in individuals affected with DNM1-related conditions. This variant is not present in population databases (gnomAD no frequency). This sequence change replaces arginine, which is basic and polar, with glutamine, which is neutral and polar, at codon 573 of the DNM1 protein (p.Arg573Gln).

NM_004408.4(DNM1):c.1718G>A (p.Arg573Gln)

Gene: DNM1 (dynamin 1; plus strand). Cytogenetic location: 9q34.11.
Variant type: single nucleotide variant.
Coding change: c.1718G>A on transcript NM_004408.4 (MANE Select); coding-DNA position 1718, G replaced by A.
Protein change: p.Arg573Gln; replaces arginine 573 with glutamine.
Molecular consequence: missense variant.
Genome position (GRCh38, 1-based): chr9:128,246,440, G>A. VCF-style: chr9-128246440-G-A. GRCh37 (hg19) VCF-style: chr9-131008719-G-A.
Other names: c.1718G>A, p.Arg573Gln (NM_001005336.3, NM_001288737.2, NM_001288738.2 and 2 more transcripts); c.1718G>A (NM_004408.2); short protein forms R573Q.
Identifiers: ClinVar variation 1921123 (VCV001921123.6), dbSNP rs1836818476, ClinGen allele CA375026994.